The following is an entry in ClinVar:

NM_000465.4(BARD1):c.1599T>C (p.Tyr533=)

Gene: BARD1 (BRCA1 associated RING domain 1; minus strand). Cytogenetic location: 2q35.
Variant type: single nucleotide variant.
Coding change: c.1599T>C on transcript NM_000465.4 (MANE Select); coding-DNA position 1599, T replaced by C.
Protein change: p.Tyr533=; no amino-acid change (tyrosine 533 retained).
Molecular consequence: synonymous variant. On other transcripts: non-coding transcript variant (3), intron variant (1).
Genome position (GRCh38, 1-based): chr2:214,752,525, A>G on the plus strand (T>C on the coding strand, the complement: BARD1 is on the minus strand). VCF-style: chr2-214752525-A-G. GRCh37 (hg19) VCF-style: chr2-215617249-A-G.
Other names: c.1599T>C (NM_000465.2); c.1542T>C, p.Tyr514= (NM_001282543.2); c.246T>C, p.Tyr82= (NM_001282545.2); c.189T>C, p.Tyr63= (NM_001282548.2); c.365-22017T>C (NM_001282549.2).
Identifiers: ClinVar variation 1120742 (VCV001120742.15), dbSNP rs2106039024, ClinGen allele CA431147922.

ClinVar aggregate classification (germline): Benign/Likely benign. Review status: criteria provided, multiple submitters, no conflicts (2 of 4 stars). 4 submissions from 4 submitters: Benign (1); Likely benign (3). Last evaluated 2024-07-26.

Conditions:
Hereditary cancer-predisposing syndrome. Also called: Neoplastic Syndromes, Hereditary; Hereditary Cancer Syndrome; Hereditary neoplastic syndrome; Tumor predisposition. Identifiers: Orphanet 140162, MedGen C0027672, MeSH D009386, MONDO:0015356.
Familial cancer of breast. Also called: BREAST CANCER, FAMILIAL; Hereditary breast cancer; hereditary breast carcinoma. Identifiers: Orphanet 227535, MedGen C0346153, MONDO:0016419, OMIM 114480. Disease mechanism: loss of function.

Allele frequency attached by ClinVar (database versions not stated): gnomAD exomes below 0.00001.
gnomAD v4.1: 1 of 1,613,788 alleles (0.000062%); highest among the groups gnomAD compares: Non-Finnish European, 0.000085%; no homozygotes.

Submissions (4):

Myriad Genetics, Inc.
Classification: Benign for Familial cancer of breast. Last evaluated: 2024-07-26. Review status: criteria provided, single submitter. Criteria: Myriad Autosomal Dominant, Autosomal Recessive and X-Linked Classification Criteria (2023). Collection method: clinical testing. Allele origin: unknown.
Comment: This variant is considered benign. This variant is a silent/synonymous amino acid change and it is not expected to impact splicing.

Labcorp Genetics (formerly Invitae), Labcorp
Classification: Likely benign for Familial cancer of breast. Last evaluated: 2024-03-16. Review status: criteria provided, single submitter. Criteria: Invitae Variant Classification Sherloc (09022015). Collection method: clinical testing. Allele origin: germline.

Ambry Genetics
Classification: Likely benign for Hereditary cancer-predisposing syndrome. Last evaluated: 2021-02-24. Review status: criteria provided, single submitter. Criteria: Ambry Variant Classification Scheme 2023. Collection method: clinical testing. Allele origin: germline.

Color Diagnostics, LLC DBA Color Health
Classification: Likely benign for Hereditary cancer-predisposing syndrome. Last evaluated: 2020-07-27. Review status: criteria provided, single submitter. Criteria: ACMG Guidelines, 2015. Collection method: clinical testing. Allele origin: germline.